The following is an entry in ClinVar:

ClinVar aggregate classification (germline): Uncertain significance (1 of 4 stars; one submission).

Conditions:
Neuronal ceroid lipofuscinosis. Also called: Neuronal Ceroid Lipofuscinoses. Identifiers: Orphanet 216, Orphanet 79263, MedGen C0027877, MONDO:0016295. Disease mechanism: loss of function.

Allele frequency attached by ClinVar (database versions not stated): gnomAD exomes below 0.00001.
gnomAD v4.1: 1 of 1,601,354 alleles (0.000062%); highest among the groups gnomAD compares: Non-Finnish European, 0.000086%; no homozygotes.

Submission:

Labcorp Genetics (formerly Invitae), Labcorp
Classification: Uncertain significance for Neuronal ceroid lipofuscinosis. Last evaluated: 2022-07-30. Review status: criteria provided, single submitter. Criteria: Invitae Variant Classification Sherloc (09022015). Collection method: clinical testing. Allele origin: germline.
Comment: This sequence change falls in intron 2 of the CLN6 gene. It does not directly change the encoded amino acid sequence of the CLN6 protein. It affects a nucleotide within the consensus splice site. This variant is not present in population databases (gnomAD no frequency). This variant has not been reported in the literature in individuals affected with CLN6-related conditions. Variants that disrupt the consensus splice site are a relatively common cause of aberrant splicing (PMID: 17576681, 9536098). Algorithms developed to predict the effect of sequence changes on RNA splicing suggest that this variant may disrupt the consensus splice site. In summary, the available evidence is currently insufficient to determine the role of this variant in disease. Therefore, it has been classified as a Variant of Uncertain Significance.

Literature cited by the submitters: PubMed 17576681; PubMed 9536098.

NM_017882.3(CLN6):c.198+5G>A

Gene: CLN6 (CLN6 transmembrane ER protein; minus strand). Cytogenetic location: 15q23.
Variant type: single nucleotide variant.
Coding change: c.198+5G>A on transcript NM_017882.3 (MANE Select); 5 bases into the intron after coding-DNA position 198, G replaced by A.
Molecular consequence: intron variant.
Genome position (GRCh38, 1-based): chr15:68,218,531, C>T on the plus strand (G>A on the coding strand, the complement: CLN6 is on the minus strand). VCF-style: chr15-68218531-C-T. GRCh37 (hg19) VCF-style: chr15-68510869-C-T.
Identifiers: ClinVar variation 1910019 (VCV001910019.2), dbSNP rs2505421637, ClinGen allele CA2580089914.